The following is an entry in ClinVar:

NM_004612.4(TGFBR1):c.974-1G>A

Gene: TGFBR1 (transforming growth factor beta receptor 1; plus strand). Cytogenetic location: 9q22.33.
Variant type: single nucleotide variant.
Coding change: c.974-1G>A on transcript NM_004612.4 (MANE Select); the canonical splice acceptor site of the intron before coding-DNA position 974, G replaced by A.
Molecular consequence: splice acceptor variant.
Genome position (GRCh38, 1-based): chr9:99,144,731, G>A. VCF-style: chr9-99144731-G-A. GRCh37 (hg19) VCF-style: chr9-101907013-G-A.
Other names: c.779-1G>A (NM_001407418.1, NM_001407419.1, NM_001407422.1 and 1 more transcripts); c.767-1G>A (NM_001407423.1, NM_001407424.1, NM_001407425.1 and 8 more transcripts); c.986-1G>A (NM_001306210.2); c.818-1G>A (NM_001407416.1); c.806-1G>A (NM_001407417.1); c.743-1G>A (NM_001407435.1, NM_001130916.3); c.728-1G>A (NM_001407436.1); c.497-1G>A (NM_001407438.1); and 1 more.
Identifiers: ClinVar variation 1327810 (VCV001327810.10), dbSNP rs2118803591, ClinGen allele CA374231183.

ClinVar aggregate classification (germline): Pathogenic. Review status: criteria provided, multiple submitters, no conflicts (2 of 4 stars). 2 submissions from 2 submitters: Pathogenic (2). Last evaluated 2025-11-13.

Conditions:
Familial thoracic aortic aneurysm and aortic dissection (TAAD). Also called: Thoracic aortic aneurysms and dissections. Identifiers: Orphanet 91387, MedGen C4707243, MONDO:0019625.

Allele frequency attached by ClinVar (database versions not stated): gnomAD exomes below 0.00001.

Submissions (2):

GeneDx
Classification: Pathogenic. Last evaluated: 2025-11-13. Review status: criteria provided, single submitter. Criteria: GeneDx Variant Classification Process June 2021. Collection method: clinical testing. Allele origin: germline. Affected: yes.
Comment: Canonical splice site variant predicted to result in a null allele in a gene for which loss of function is a known mechanism of disease; Not observed at significant frequency in large population cohorts (gnomAD); Has not been previously published as pathogenic or benign in association with Loeys-Dietz syndrome to our knowledge; This variant is associated with the following publications: (PMID: 33087929)

Labcorp Genetics (formerly Invitae), Labcorp
Classification: Pathogenic for Familial thoracic aortic aneurysm and aortic dissection. Last evaluated: 2025-03-17. Review status: criteria provided, single submitter. Criteria: Invitae Variant Classification Sherloc (09022015). Collection method: clinical testing. Allele origin: germline.
Comment: This sequence change affects an acceptor splice site in intron 5 of the TGFBR1 gene. It is expected to disrupt RNA splicing. Variants that disrupt the donor or acceptor splice site typically lead to a loss of protein function (PMID: 16199547), and loss-of-function variants in TGFBR1 are known to be pathogenic (PMID: 21358634). This variant is not present in population databases (gnomAD no frequency). Disruption of this splice site has been observed in individual(s) with thoracic aortic aneurysm and/or dissection (PMID: 29543232). ClinVar contains an entry for this variant (Variation ID: 1327810). Algorithms developed to predict the effect of sequence changes on RNA splicing suggest that this variant may disrupt the consensus splice site. For these reasons, this variant has been classified as Pathogenic.

Literature cited by the submitters: PubMed 16199547 (cited by Labcorp Genetics (formerly Invitae), Labcorp); PubMed 21358634 (cited by Labcorp Genetics (formerly Invitae), Labcorp); PubMed 29543232 (cited by Labcorp Genetics (formerly Invitae), Labcorp).